The following is an entry in ClinVar:

NM_001368397.1(FRMPD4):c.1828C>G (p.Leu610Val)

Gene: FRMPD4 (FERM and PDZ domain containing 4; plus strand). Cytogenetic location: Xp22.2.
Variant type: single nucleotide variant.
Coding change: c.1828C>G on transcript NM_001368397.1 (MANE Select); coding-DNA position 1828, C replaced by G.
Protein change: p.Leu610Val; replaces leucine 610 with valine.
Molecular consequence: missense variant.
Genome position (GRCh38, 1-based): chrX:12,716,287, C>G. VCF-style: chrX-12716287-C-G. GRCh37 (hg19) VCF-style: chrX-12734406-C-G.
Other names: c.1939C>G, p.Leu647Val (NM_001368395.3, NM_001368398.3); c.1834C>G, p.Leu612Val (NM_001368396.3); c.1819C>G, p.Leu607Val (NM_001368399.3); c.1708C>G, p.Leu570Val (NM_001368400.3); c.1804C>G, p.Leu602Val (NM_001368401.1, NM_001368402.3); c.1828C>G, p.Leu610Val (NM_014728.3); short protein forms L570V, L602V, L607V, L610V, L612V, L647V.
Identifiers: ClinVar variation 4846795 (VCV004846795.1).

ClinVar aggregate classification (germline): Uncertain significance (1 of 4 stars; one submission).

Conditions:
Intellectual developmental disorder, X-linked 104. Also called: Intellectual disability, X-linked 104. Identifiers: MedGen C4310817, MONDO:0010509, OMIM 300983.

gnomAD v4.1: 1 of 1,210,671 alleles (0.000083%); highest among the groups gnomAD compares: African/African-American, 0.0017%; no homozygotes.

Submission:

Laboratorio de Genetica e Diagnostico Molecular, Hospital Israelita Albert Einstein
Classification: Uncertain significance for Intellectual developmental disorder, X-linked 104. Last evaluated: 2022-10-20. Review status: criteria provided, single submitter. Criteria: ACMG Guidelines, 2015. Collection method: clinical testing. Allele origin: germline. Affected: yes.
Comment: ACMG classification criteria: PM2 moderate, BP4 supporting